The following is an entry in ClinVar:

ClinVar aggregate classification (germline): Pathogenic (1 of 4 stars; one submission).

Conditions:
Pheochromocytoma. Also called: MAX-Related Hereditary Paraganglioma-Pheochromocytoma Syndrome. Identifiers: Orphanet 29072, MedGen C0031511, MONDO:0008233, OMIM 171300, HP:0002666.
Pheochromocytoma/paraganglioma syndrome 4. Also called: CAROTID BODY TUMORS AND MULTIPLE EXTRAADRENAL PHEOCHROMOCYTOMAS; PARAGANGLIOMA, FAMILIAL MALIGNANT; PARAGANGLIOMAS, HEREDITARY EXTRAADRENAL; PHEOCHROMOCYTOMA, FAMILIAL EXTRAADRENAL; Paragangliomas 4; SDHB-Related Hereditary Paraganglioma-Pheochromocytoma Syndrome (Paragangliomas 4). Identifiers: Orphanet 29072, MedGen C1861848, MONDO:0007273, OMIM 115310.
Gastrointestinal stromal tumor. Also called: Gastrointestinal stroma tumor; Gastrointestinal stromal tumor, somatic. Identifiers: Orphanet 44890, MedGen C0238198, MeSH D046152, MONDO:0011719, OMIM 606764, HP:0100723.

Submission:

Labcorp Genetics (formerly Invitae), Labcorp
Classification: Pathogenic for Gastrointestinal stromal tumor; Pheochromocytoma/paraganglioma syndrome 4; Pheochromocytoma. Last evaluated: 2023-10-27. Review status: criteria provided, single submitter. Criteria: Invitae Variant Classification Sherloc (09022015). Collection method: clinical testing. Allele origin: germline.
Comment: This variant is a gross deletion of the genomic region encompassing exon(s) 3-8 of the SDHB gene, which includes the termination codon. This deletion extends beyond the assayed region for this gene and therefore may encompass additional genes. While this deletion is not anticipated to lead to nonsense mediated decay, it is expected to alter mRNA translation or result in a truncated protein product. This variant has not been reported in the literature in individuals affected with SDHB-related conditions. The region of the SDHB gene that includes exon(s) 7 has been determined to be clinically significant (PMID: 17652212, 19029228, 22517554, 24977658). Therefore, deletions that encompass that region are likely to be disease-causing. For these reasons, this variant has been classified as Pathogenic.

Literature cited by the submitters: PubMed 17652212; PubMed 19029228; PubMed 22517554; PubMed 24977658.

NC_000001.10:g.(?_17345376)_(17359650_?)del

Gene: SDHB (succinate dehydrogenase complex iron sulfur subunit B; minus strand). Cytogenetic location: 1p36.13.
Variant type: Deletion.
Identifiers: ClinVar variation 1362479 (VCV001362479.14).